The following is an entry in ClinVar:

ClinVar aggregate classification (germline): Uncertain significance (1 of 4 stars; one submission).

Allele frequency attached by ClinVar (database versions not stated): gnomAD exomes below 0.00001.
gnomAD v4.1: 1 of 1,614,204 alleles (0.000062%); highest among the groups gnomAD compares: Non-Finnish European, 0.000085%; no homozygotes.

Submission:

Ambry Genetics
Classification: Uncertain significance. Last evaluated: 2023-07-04. Review status: criteria provided, single submitter. Criteria: Ambry Variant Classification Scheme 2023. Collection method: clinical testing. Allele origin: germline.
Comment: The p.S33C variant (also known as c.98C>G), located in coding exon 1 of the BUB3 gene, results from a C to G substitution at nucleotide position 98. The serine at codon 33 is replaced by cysteine, an amino acid with dissimilar properties. This amino acid position is conserved. In addition, the in silico prediction for this alteration is inconclusive. Since supporting evidence is limited at this time, the clinical significance of this alteration remains unclear.

NM_004725.4(BUB3):c.98C>G (p.Ser33Cys)

Genes: BUB3 (BUB3 mitotic checkpoint protein; plus strand), LOC130004885 (ATAC-STARR-seq lymphoblastoid active region 4151; plus strand). Cytogenetic location: 10q26.13.
Variant type: single nucleotide variant.
Coding change: c.98C>G on transcript NM_004725.4 (MANE Select); coding-DNA position 98, C replaced by G.
Protein change: p.Ser33Cys; replaces serine 33 with cysteine.
Molecular consequence: missense variant.
Genome position (GRCh38, 1-based): chr10:123,155,015, C>G. VCF-style: chr10-123155015-C-G. GRCh37 (hg19) VCF-style: chr10-124914531-C-G.
Other names: c.98C>G, p.Ser33Cys (NM_001007793.3); short protein forms S33C.
Identifiers: ClinVar variation 2625364 (VCV002625364.2), dbSNP rs2493755389, ClinGen allele CA378624936.